The following is an entry in ClinVar:

ClinVar aggregate classification (germline): Uncertain significance (1 of 4 stars; one submission).

Conditions:
Inborn genetic diseases. Identifiers: MedGen C0950123, MeSH D030342.

Submission:

Ambry Genetics
Classification: Uncertain significance for Inborn genetic diseases. Last evaluated: 2025-05-05. Review status: criteria provided, single submitter. Criteria: Ambry Variant Classification Scheme 2023. Collection method: clinical testing. Allele origin: germline.
Comment: The p.M145L variant (also known as c.433A>T), located in coding exon 4 of the G6PC3 gene, results from an A to T substitution at nucleotide position 433. The methionine at codon 145 is replaced by leucine, an amino acid with highly similar properties. This amino acid position is conserved. In addition, this alteration is predicted to be tolerated by in silico analysis. Based on the available evidence, the clinical significance of this variant remains unclear.

NM_138387.4(G6PC3):c.433A>T (p.Met145Leu)

Gene: G6PC3 (glucose-6-phosphatase catalytic subunit 3; plus strand). Cytogenetic location: 17q21.31.
Variant type: single nucleotide variant.
Coding change: c.433A>T on transcript NM_138387.4 (MANE Select); coding-DNA position 433, A replaced by T.
Protein change: p.Met145Leu; replaces methionine 145 with leucine.
Molecular consequence: missense variant. On other transcripts: intron variant (1).
Genome position (GRCh38, 1-based): chr17:44,074,985, A>T. VCF-style: chr17-44074985-A-T. GRCh37 (hg19) VCF-style: chr17-42152353-A-T.
Other names: c.88A>T, p.Met30Leu (NM_001384165.1, NM_001384166.1, NM_001384167.1 and 1 more transcripts); c.416+215A>T (NM_001319945.2); short protein forms M145L, M30L.
Identifiers: ClinVar variation 4027595 (VCV004027595.1).